The following is an entry in ClinVar:

NM_006767.4(LZTR1):c.2407-6T>C

Gene: LZTR1 (leucine zipper like post translational regulator 1; plus strand). Cytogenetic location: 22q11.21.
Variant type: single nucleotide variant.
Coding change: c.2407-6T>C on transcript NM_006767.4 (MANE Select); 6 bases into the intron before coding-DNA position 2407, T replaced by C.
Molecular consequence: intron variant.
Genome position (GRCh38, 1-based): chr22:20,997,226, T>C. VCF-style: chr22-20997226-T-C. GRCh37 (hg19) VCF-style: chr22-21351515-T-C.
Identifiers: ClinVar variation 4279968 (VCV004279968.1).

ClinVar aggregate classification (germline): Uncertain significance (1 of 4 stars; one submission).

Conditions:
Noonan syndrome 2 (NS2). Identifiers: Orphanet 648, MedGen C1854469, MONDO:0011531, OMIM 605275.
Noonan syndrome 10 (NS10). Identifiers: Orphanet 648, MedGen C4225280, MONDO:0014693, OMIM 616564.

Submission:

Clinical Genomics Laboratory, Washington University in St. Louis
Classification: Uncertain significance for Noonan syndrome 10; Noonan syndrome 2. Last evaluated: 2025-03-07. Review status: criteria provided, single submitter. Criteria: ACMG Guidelines, 2015. Collection method: clinical testing. Allele origin: germline.
Comment: An LZTR1 c.2407-6T>C variant was identified at an allelic fraction consistent with somatic origin. This variant, to our knowledge, has not been reported in the medical literature. Additionally, somatic variants in LZTR1 have yet to be associated with monogenic disease and to date have only been reported in cancer. This variant is absent from the general population (gnomAD v4.1.0), indicating it is not a common variant. Computational predictors indicate that the variant has no impact on splicing, evidence that this variant does not have a damaging effect on LZTR1 function. Due to limited information, and based on ACMG/AMP guidelines for variant interpretation (Richards S et al., PMID: 25741868), the clinical significance of this variant is uncertain at this time.